The following is an entry in ClinVar:

ClinVar aggregate classification (germline): Uncertain significance (1 of 4 stars; one submission).

Allele frequency attached by ClinVar (database versions not stated): gnomAD exomes below 0.00001 and 0.00001; ExAC 0.00001; gnomAD 0.00001.

Submission:

Labcorp Genetics (formerly Invitae), Labcorp
Classification: Uncertain significance. Last evaluated: 2021-02-26. Review status: criteria provided, single submitter. Criteria: Invitae Variant Classification Sherloc (09022015). Collection method: clinical testing. Allele origin: germline.
Comment: Algorithms developed to predict the effect of missense changes on protein structure and function (SIFT, PolyPhen-2, Align-GVGD) all suggest that this variant is likely to be tolerated, but these predictions have not been confirmed by published functional studies and their clinical significance is uncertain. This variant has not been reported in the literature in individuals with LAMC3-related conditions. This variant is present in population databases (rs764780279, ExAC 0.002%). This sequence change replaces threonine with isoleucine at codon 1238 of the LAMC3 protein (p.Thr1238Ile). The threonine residue is moderately conserved and there is a moderate physicochemical difference between threonine and isoleucine. In summary, the available evidence is currently insufficient to determine the role of this variant in disease. Therefore, it has been classified as a Variant of Uncertain Significance.

NM_006059.4(LAMC3):c.3713C>T (p.Thr1238Ile)

Gene: LAMC3 (laminin subunit gamma 3; plus strand). Cytogenetic location: 9q34.12.
Variant type: single nucleotide variant.
Coding change: c.3713C>T on transcript NM_006059.4 (MANE Select); coding-DNA position 3713, C replaced by T.
Protein change: p.Thr1238Ile; replaces threonine 1238 with isoleucine.
Molecular consequence: missense variant.
Genome position (GRCh38, 1-based): chr9:131,077,270, C>T. VCF-style: chr9-131077270-C-T. GRCh37 (hg19) VCF-style: chr9-133952657-C-T.
Other names: short protein forms T1238I.
Identifiers: ClinVar variation 1405355 (VCV001405355.8), dbSNP rs764780279, ClinGen allele CA5287909.